The following is an entry in ClinVar:

ClinVar aggregate classification (germline): Uncertain significance. Review status: criteria provided, multiple submitters, no conflicts (2 of 4 stars). 2 submissions from 2 submitters: Uncertain significance (2). Last evaluated 2024-03-24.

Conditions:
Malignant hyperthermia, susceptibility to, 1 (MHS1). Also called: Anesthesia related hyperthermia; Malignant hyperpyrexia; Fulminating hyperpyrexia; Pharmacogenic myopathy; Malignant hyperthermia suceptibility 1; RYR1-Related Malignant Hyperthermia Susceptibility. Identifiers: Orphanet 423, MedGen C2930980, MONDO:0007783, OMIM 145600.

Submissions (2):

All of Us Research Program, National Institutes of Health
Classification: Uncertain significance for Malignant hyperthermia, susceptibility to, 1. Last evaluated: 2024-03-24. Review status: criteria provided, single submitter. Criteria: ACMG Guidelines, 2015. Collection method: clinical testing. Allele origin: germline. Inheritance: Autosomal dominant inheritance. Observed: 1 variant allele, 1 heterozygote.
Comment: This missense variant replaces glutamine with glutamic acid at codon 3485 of the RYR1 protein. Computational prediction suggests that this variant may not impact protein structure and function (internally defined REVEL score threshold <= 0.5, PMID: 27666373). To our knowledge, functional studies have not been reported for this variant. This variant has not been reported in individuals affected with RYR1-related disorders in the literature. This variant has not been identified in the general population by the Genome Aggregation Database (gnomAD). The available evidence is insufficient to determine the role of this variant in disease conclusively. Therefore, this variant is classified as a Variant of Uncertain Significance.

This study involves interpretation of variants in research participants for the purpose of population health screening. Participant phenotype was not available at the time of variant classification. Additional details can be found in publication PMID: 35346344, PMCID: PMC8962531

Color Diagnostics, LLC DBA Color Health
Classification: Uncertain significance for Malignant hyperthermia, susceptibility to, 1. Last evaluated: 2024-02-20. Review status: criteria provided, single submitter. Criteria: ACMG Guidelines, 2015. Collection method: clinical testing. Allele origin: germline.
Comment: This missense variant replaces glutamine with glutamic acid at codon 3485 of the RYR1 protein. Computational prediction suggests that this variant may not impact protein structure and function. To our knowledge, functional studies have not been reported for this variant. This variant has not been reported in individuals affected with RYR1-related disorders in the literature. This variant has not been identified in the general population by the Genome Aggregation Database (gnomAD). The available evidence is insufficient to determine the role of this variant in disease conclusively. Therefore, this variant is classified as a Variant of Uncertain Significance.

NM_000540.3(RYR1):c.10453C>G (p.Gln3485Glu)

Gene: RYR1 (ryanodine receptor 1; plus strand). Cytogenetic location: 19q13.2.
Variant type: single nucleotide variant.
Coding change: c.10453C>G on transcript NM_000540.3 (MANE Select); coding-DNA position 10453, C replaced by G.
Protein change: p.Gln3485Glu; replaces glutamine 3485 with glutamic acid.
Molecular consequence: missense variant. On other transcripts: intron variant (1).
Genome position (GRCh38, 1-based): chr19:38,523,927, C>G. VCF-style: chr19-38523927-C-G. GRCh37 (hg19) VCF-style: chr19-39014567-C-G.
Other names: c.10440+618C>G (NM_001042723.2); short protein forms Q3485E.
Identifiers: ClinVar variation 3385532 (VCV003385532.2).
Genomic context (GRCh38, chr19:38,523,927, plus strand): 5'-GGGGCTGGGGTAACCCTTCTTGTCTCTGTCTGCGGTCCGGTGAAGCAGGCGGGAGATATA[C>G]AGGTCAGCCCCACATCTGGGACCTTCCGCATGTCTCTTGGCTAATGCCCTCTTCCCCCAG-3'
Protein context (NP_000531.2, residues 3475-3495): KSKMAKAGDI[Gln3485Glu]SGGSDQERTK